The following is an entry in ClinVar:

NM_001621.5(AHR):c.841C>T (p.Arg281Trp)

Gene: AHR (aryl hydrocarbon receptor; plus strand). Cytogenetic location: 7p21.1.
Variant type: single nucleotide variant.
Coding change: c.841C>T on transcript NM_001621.5 (MANE Select); coding-DNA position 841, C replaced by T.
Protein change: p.Arg281Trp; replaces arginine 281 with tryptophan.
Molecular consequence: missense variant.
Genome position (GRCh38, 1-based): chr7:17,334,047, C>T. VCF-style: chr7-17334047-C-T. GRCh37 (hg19) VCF-style: chr7-17373671-C-T.
Other names: short protein forms R281W.
Identifiers: ClinVar variation 853443 (VCV000853443.5), dbSNP rs140380733, ClinGen allele CA4171950.

ClinVar aggregate classification (germline): Uncertain significance (1 of 4 stars; one submission).

Allele frequency attached by ClinVar (database versions not stated): gnomAD exomes 0.00003 and 0.00007; ExAC 0.00007; ESP Exome Variant Server 0.00015; TOPMed 0.00023; gnomAD 0.00026 and 0.00028.

Submission:

Labcorp Genetics (formerly Invitae), Labcorp
Classification: Uncertain significance. Last evaluated: 2025-06-23. Review status: criteria provided, single submitter. Criteria: Invitae Variant Classification Sherloc (09022015). Collection method: clinical testing. Allele origin: germline.
Comment: This sequence change replaces arginine, which is basic and polar, with tryptophan, which is neutral and slightly polar, at codon 281 of the AHR protein (p.Arg281Trp). This variant is present in population databases (rs140380733, gnomAD 0.08%). This missense change has been observed in individual(s) with retinitis pigmentosa (internal data). ClinVar contains an entry for this variant (Variation ID: 853443). An algorithm developed to predict the effect of missense changes on protein structure and function (PolyPhen-2) suggests that this variant is likely to be disruptive. In summary, the available evidence is currently insufficient to determine the role of this variant in disease. Therefore, it has been classified as a Variant of Uncertain Significance.